The following is an entry in ClinVar:

NM_152703.5(SAMD9L):c.970C>G (p.Gln324Glu)

Gene: SAMD9L (sterile alpha motif domain containing 9 like; minus strand). Cytogenetic location: 7q21.2.
Variant type: single nucleotide variant.
Coding change: c.970C>G on transcript NM_152703.5 (MANE Select); coding-DNA position 970, C replaced by G.
Protein change: p.Gln324Glu; replaces glutamine 324 with glutamic acid.
Molecular consequence: missense variant.
Genome position (GRCh38, 1-based): chr7:93,135,002, G>C on the plus strand (C>G on the coding strand, the complement: SAMD9L is on the minus strand). VCF-style: chr7-93135002-G-C. GRCh37 (hg19) VCF-style: chr7-92764315-G-C.
Other names: c.970C>G, p.Gln324Glu (NM_001303496.3, NM_001303497.3, NM_001303498.3 and 5 more transcripts); short protein forms Q324E.
Identifiers: ClinVar variation 4842000 (VCV004842000.1).

ClinVar aggregate classification (germline): Uncertain significance (1 of 4 stars; one submission).

Conditions:
Inborn genetic diseases. Identifiers: MedGen C0950123, MeSH D030342.

Submission:

Ambry Genetics
Classification: Uncertain significance for Inborn genetic diseases. Last evaluated: 2025-12-21. Review status: criteria provided, single submitter. Criteria: Ambry Variant Classification Scheme 2023. Collection method: clinical testing. Allele origin: germline.
Comment: The p.Q324E variant (also known as c.970C>G), located in coding exon 1 of the SAMD9L gene, results from a C to G substitution at nucleotide position 970. The glutamine at codon 324 is replaced by glutamic acid, an amino acid with highly similar properties. This amino acid position is conserved. In addition, this alteration is predicted to be tolerated by in silico analysis. Based on the available evidence, the clinical significance of this variant remains unclear.